The following is an entry in ClinVar:

NM_000548.5(TSC2):c.4253C>T (p.Ser1418Leu)

Gene: TSC2 (TSC complex subunit 2; plus strand). Cytogenetic location: 16p13.3.
Variant type: single nucleotide variant.
Coding change: c.4253C>T on transcript NM_000548.5 (MANE Select); coding-DNA position 4253, C replaced by T.
Protein change: p.Ser1418Leu; replaces serine 1418 with leucine.
Molecular consequence: missense variant.
Genome position (GRCh38, 1-based): chr16:2,084,475, C>T. VCF-style: chr16-2084475-C-T. GRCh37 (hg19) VCF-style: chr16-2134476-C-T.
Other names: c.4052C>T, p.Ser1351Leu (NM_001077183.3); c.4184C>T, p.Ser1395Leu (NM_001114382.3); c.3944C>T, p.Ser1315Leu (NM_001318827.2); c.3908C>T, p.Ser1303Leu (NM_001318829.2); c.3521C>T, p.Ser1174Leu (NM_001318831.2); c.4085C>T, p.Ser1362Leu (NM_001318832.2); c.4055C>T, p.Ser1352Leu (NM_001363528.2); c.4121C>T, p.Ser1374Leu (NM_001370404.1); and 1 more; short protein forms S1174L, S1303L, S1315L, S1351L, S1352L, S1362L, S1374L, S1375L.
Identifiers: ClinVar variation 1310879 (VCV001310879.6), dbSNP rs369164761, ClinGen allele CA050710.

ClinVar aggregate classification (germline): Conflicting classifications of pathogenicity. Review status: criteria provided, conflicting classifications (1 of 4 stars). 4 submissions from 4 submitters: Uncertain significance (3); Benign (1). Last evaluated 2025-11-08.

Conditions:
Tuberous sclerosis 2 (TSC2). Identifiers: Orphanet 805, MedGen C1860707, MONDO:0013199, OMIM 613254.
Hereditary cancer-predisposing syndrome. Also called: Neoplastic Syndromes, Hereditary; Hereditary Cancer Syndrome; Tumor predisposition; Hereditary neoplastic syndrome. Identifiers: Orphanet 140162, MedGen C0027672, MeSH D009386, MONDO:0015356.

Allele frequency attached by ClinVar (database versions not stated): gnomAD exomes below 0.00001; ExAC 0.00001; gnomAD 0.00002; TOPMed 0.00002; ESP Exome Variant Server 0.00015.
gnomAD v4.1: 3 of 1,609,254 alleles (0.00019%); highest among the groups gnomAD compares: African/African-American, 0.004%; no homozygotes.

Submissions (4):

Quest Diagnostics Nichols Institute San Juan Capistrano
Classification: Uncertain significance. Last evaluated: 2025-11-08. Review status: criteria provided, single submitter. Criteria: Quest Diagnostics criteria. Collection method: clinical testing. Allele origin: unknown.

Ambry Genetics
Classification: Uncertain significance for Hereditary cancer-predisposing syndrome. Last evaluated: 2025-09-17. Review status: criteria provided, single submitter. Criteria: Ambry Variant Classification Scheme 2023. Collection method: clinical testing. Allele origin: germline.
Comment: The p.S1418L variant (also known as c.4253C>T), located in coding exon 33 of the TSC2 gene, results from a C to T substitution at nucleotide position 4253. The serine at codon 1418 is replaced by leucine, an amino acid with dissimilar properties. This amino acid position is conserved. In addition, the in silico prediction for this alteration is inconclusive. Based on the available evidence, the clinical significance of this variant remains unclear.

Labcorp Genetics (formerly Invitae), Labcorp
Classification: Benign for Tuberous sclerosis 2. Last evaluated: 2024-10-27. Review status: criteria provided, single submitter. Criteria: Invitae Variant Classification Sherloc (09022015). Collection method: clinical testing. Allele origin: germline.

GeneDx
Classification: Uncertain significance. Last evaluated: 2019-12-13. Review status: criteria provided, single submitter. Criteria: GeneDx Variant Classification Process June 2021. Collection method: clinical testing. Allele origin: germline. Affected: yes.
Comment: In silico analysis, which includes protein predictors and evolutionary conservation, supports that this variant does not alter protein structure/function; Has not been previously published as pathogenic or benign to our knowledge